The following is an entry in ClinVar:

NM_001378183.1(PIEZO2):c.2354C>T (p.Ala785Val)

Gene: PIEZO2 (piezo type mechanosensitive ion channel component 2; minus strand). Cytogenetic location: 18p11.22.
Variant type: single nucleotide variant.
Coding change: c.2354C>T on transcript NM_001378183.1 (MANE Select); coding-DNA position 2354, C replaced by T.
Protein change: p.Ala785Val; replaces alanine 785 with valine.
Molecular consequence: missense variant.
Genome position (GRCh38, 1-based): chr18:10,784,922, G>A on the plus strand (C>T on the coding strand, the complement: PIEZO2 is on the minus strand). VCF-style: chr18-10784922-G-A. GRCh37 (hg19) VCF-style: chr18-10784920-G-A.
Other names: c.2354C>T, p.Ala785Val (NM_001410871.1, NM_022068.4); short protein forms A785V.
Identifiers: ClinVar variation 4535669 (VCV004535669.1).
Genomic context (GRCh38, chr18:10,784,922, plus strand): 5'-AGGTGTAAAATGCACACCAGCAGAAAGGAGGTTGGGATGAATATGCGAGTGAATAGTTCA[G>A]CCACAGTAAACTGCTTTAAGCCAAGATCCTCAAGCCTGCAAAACAAAACAAAATAAAAAG-3'
Protein context (NP_001365112.1, residues 775-795): EDLGLKQFTV[Ala785Val]ELFTRIFIPT

ClinVar aggregate classification (germline): Uncertain significance (1 of 4 stars; one submission).

gnomAD v4.1: 1 of 1,537,152 alleles (0.000065%); highest among the groups gnomAD compares: Non-Finnish European, 0.000087%; no homozygotes.

Submission:

Women's Health and Genetics/Laboratory Corporation of America, LabCorp
Classification: Uncertain significance. Last evaluated: 2025-09-08. Review status: criteria provided, single submitter. Criteria: LabCorp Variant Classification Summary - May 2015. Collection method: clinical testing. Allele origin: germline.
Comment: Variant summary: PIEZO2 c.2354C>T (p.Ala785Val) results in a non-conservative amino acid change in the encoded protein sequence. Algorithms developed to predict the effect of missense changes on protein structure and function are either unavailable or do not agree on the potential impact of this missense change. The variant was absent in 144836 control chromosomes. The available data on variant occurrences in the general population are insufficient to allow any conclusion about variant significance. To our knowledge, no occurrence of c.2354C>T in individuals affected with PIEZO2-related conditions and no experimental evidence demonstrating its impact on protein function have been reported. No submitters have cited clinical-significance assessments for this variant to ClinVar. Based on the evidence outlined above, the variant was classified as uncertain significance.